The following is an entry in ClinVar:

NM_005732.4(RAD50):c.1000A>G (p.Lys334Glu)

Gene: RAD50 (RAD50 double strand break repair protein; plus strand). Cytogenetic location: 5q31.1.
Variant type: single nucleotide variant.
Coding change: c.1000A>G on transcript NM_005732.4 (MANE Select); coding-DNA position 1000, A replaced by G.
Protein change: p.Lys334Glu; replaces lysine 334 with glutamic acid.
Molecular consequence: missense variant.
Genome position (GRCh38, 1-based): chr5:132,588,038, A>G. VCF-style: chr5-132588038-A-G. GRCh37 (hg19) VCF-style: chr5-131923730-A-G.
Other names: short protein forms K334E.
Identifiers: ClinVar variation 1734326 (VCV001734326.2), dbSNP rs2479632799, ClinGen allele CA360941370.

ClinVar aggregate classification (germline): Uncertain significance (1 of 4 stars; one submission).

Conditions:
Hereditary cancer-predisposing syndrome. Also called: Neoplastic Syndromes, Hereditary; Tumor predisposition; Hereditary Cancer Syndrome; Hereditary neoplastic syndrome. Identifiers: Orphanet 140162, MedGen C0027672, MeSH D009386, MONDO:0015356.

Submission:

Ambry Genetics
Classification: Uncertain significance for Hereditary cancer-predisposing syndrome. Last evaluated: 2021-08-10. Review status: criteria provided, single submitter. Criteria: Ambry Variant Classification Scheme 2023. Collection method: clinical testing. Allele origin: germline.
Comment: The p.K334E variant (also known as c.1000A>G), located in coding exon 7 of the RAD50 gene, results from an A to G substitution at nucleotide position 1000. The lysine at codon 334 is replaced by glutamic acid, an amino acid with similar properties. This amino acid position is conserved. In addition, this alteration is predicted to be tolerated by in silico analysis. Since supporting evidence is limited at this time, the clinical significance of this alteration remains unclear.